The following is an entry in ClinVar:

NM_152618.3(BBS12):c.1840G>C (p.Glu614Gln)

Gene: BBS12 (Bardet-Biedl syndrome 12; plus strand). Cytogenetic location: 4q27.
Variant type: single nucleotide variant.
Coding change: c.1840G>C on transcript NM_152618.3 (MANE Select); coding-DNA position 1840, G replaced by C.
Protein change: p.Glu614Gln; replaces glutamic acid 614 with glutamine.
Molecular consequence: missense variant.
Genome position (GRCh38, 1-based): chr4:122,743,732, G>C. VCF-style: chr4-122743732-G-C. GRCh37 (hg19) VCF-style: chr4-123664887-G-C.
Other names: c.1840G>C, p.Glu614Gln (NM_001178007.2); c.1840G>C (NM_152618.2); short protein forms E614Q.
Identifiers: ClinVar variation 1441137 (VCV001441137.7), dbSNP rs1800934088, ClinGen allele CA358225992.

ClinVar aggregate classification (germline): Uncertain significance. Review status: criteria provided, multiple submitters, no conflicts (2 of 4 stars). 2 submissions from 2 submitters: Uncertain significance (2). Last evaluated 2026-09-03.

Conditions:
BBS12-related disorder. Also called: BBS12-related condition.
Bardet-Biedl syndrome (BBS). Identifiers: Orphanet 110, MedGen C0752166, MONDO:0015229.

Allele frequency attached by ClinVar (database versions not stated): gnomAD exomes below 0.00001; TOPMed 0.00001.
gnomAD v4.1: 6 of 1,614,162 alleles (0.00037%); highest among the groups gnomAD compares: Non-Finnish European, 0.00051%; no homozygotes.

Submissions (2):

PreventionGenetics, part of Exact Sciences
Classification: Uncertain significance for BBS12-related condition. Last evaluated: 2026-09-03. Review status: criteria provided, single submitter. Criteria: ACMG Guidelines, 2015. Collection method: clinical testing. Allele origin: germline.
Comment: The BBS12 c.1840G>C variant is predicted to result in the amino acid substitution p.Glu614Gln. To our knowledge, this variant has not been reported in the literature or in a large population database (gnomAD), indicating this variant is rare. At this time, the clinical significance of this variant is uncertain due to the absence of conclusive functional and genetic evidence.

Labcorp Genetics (formerly Invitae), Labcorp
Classification: Uncertain significance for Bardet-Biedl syndrome. Last evaluated: 2024-06-03. Review status: criteria provided, single submitter. Criteria: Invitae Variant Classification Sherloc (09022015). Collection method: clinical testing. Allele origin: germline.
Comment: This sequence change replaces glutamic acid, which is acidic and polar, with glutamine, which is neutral and polar, at codon 614 of the BBS12 protein (p.Glu614Gln). This variant is not present in population databases (gnomAD no frequency). This variant has not been reported in the literature in individuals affected with BBS12-related conditions. ClinVar contains an entry for this variant (Variation ID: 1441137). Advanced modeling of protein sequence and biophysical properties (such as structural, functional, and spatial information, amino acid conservation, physicochemical variation, residue mobility, and thermodynamic stability) performed at Invitae indicates that this missense variant is expected to disrupt BBS12 protein function with a positive predictive value of 80%. In summary, the available evidence is currently insufficient to determine the role of this variant in disease. Therefore, it has been classified as a Variant of Uncertain Significance.